The following is an entry in ClinVar:

NM_005450.6(NOG):c.301C>T (p.Leu101=)

Gene: NOG (noggin; plus strand). Cytogenetic location: 17q22.
Variant type: single nucleotide variant.
Coding change: c.301C>T on transcript NM_005450.6 (MANE Select); coding-DNA position 301, C replaced by T.
Protein change: p.Leu101=; no amino-acid change (leucine 101 retained).
Molecular consequence: synonymous variant.
Genome position (GRCh38, 1-based): chr17:56,594,524, C>T. VCF-style: chr17-56594524-C-T. GRCh37 (hg19) VCF-style: chr17-54671885-C-T.
Identifiers: ClinVar variation 3030269 (VCV003030269.3), dbSNP rs762410741, ClinGen allele CA8663179.

ClinVar aggregate classification (germline): Uncertain significance. Review status: criteria provided, single submitter (1 of 4 stars). 2 submissions from 2 submitters: Uncertain significance (1). 1 of the submissions does not count toward it. Last evaluated 2025-11-17.

Conditions:
NOG-related disorder. Also called: NOG-related condition; NOG-related disorders.

Allele frequency attached by ClinVar (database versions not stated): gnomAD exomes 0.00001; ExAC 0.00003; gnomAD 0.00003; TOPMed 0.00007.

Submissions (2):

Labcorp Genetics (formerly Invitae), Labcorp
Classification: Uncertain significance. Last evaluated: 2025-11-17. Review status: criteria provided, single submitter. Criteria: Invitae Variant Classification Sherloc (09022015). Collection method: clinical testing. Allele origin: germline.
Comment: This sequence change affects codon 101 of the NOG mRNA. It is a 'silent' change, meaning that it does not change the encoded amino acid sequence of the NOG protein. This variant is present in population databases (rs762410741, gnomAD 0.03%). This variant has not been reported in the literature in individuals affected with NOG-related conditions. ClinVar contains an entry for this variant (Variation ID: 3030269). In summary, the available evidence is currently insufficient to determine the role of this variant in disease. Therefore, it has been classified as a Variant of Uncertain Significance.

PreventionGenetics, part of Exact Sciences
Classification: Likely benign for NOG-related condition. Last evaluated: 2021-01-28. Review status: no assertion criteria provided. Collection method: clinical testing. Allele origin: germline. Not counted in ClinVar's aggregate classification.
Comment: This variant is classified as likely benign based on ACMG/AMP sequence variant interpretation guidelines (Richards et al. 2015 PMID: 25741868, with internal and published modifications).